The following is an entry in ClinVar:

NM_000245.4(MET):c.1994A>T (p.Lys665Ile)

Gene: MET (MET proto-oncogene, receptor tyrosine kinase; plus strand). Cytogenetic location: 7q31.2.
Variant type: single nucleotide variant.
Coding change: c.1994A>T on transcript NM_000245.4 (MANE Select); coding-DNA position 1994, A replaced by T.
Protein change: p.Lys665Ile; replaces lysine 665 with isoleucine.
Molecular consequence: missense variant.
Genome position (GRCh38, 1-based): chr7:116,757,666, A>T. VCF-style: chr7-116757666-A-T. GRCh37 (hg19) VCF-style: chr7-116397720-A-T.
Other names: c.1994A>T, p.Lys665Ile (NM_001127500.3, NM_001324401.3); c.704A>T, p.Lys235Ile (NM_001324402.2); short protein forms K235I, K665I.
Identifiers: ClinVar variation 1720045 (VCV001720045.8), dbSNP rs2116923456, ClinGen allele CA368979678.

ClinVar aggregate classification (germline): Conflicting classifications of pathogenicity. Review status: criteria provided, conflicting classifications (1 of 4 stars). 2 submissions from 2 submitters: Uncertain significance (1); Likely benign (1). Last evaluated 2026-05-15.

Conditions:
Hereditary cancer-predisposing syndrome. Also called: Hereditary Cancer Syndrome; Neoplastic Syndromes, Hereditary; Hereditary neoplastic syndrome; Tumor predisposition. Identifiers: Orphanet 140162, MedGen C0027672, MeSH D009386, MONDO:0015356.
Renal cell carcinoma. Identifiers: Orphanet 217071, MedGen C0007134, MeSH D002292, MONDO:0005086, HP:0005584.

Allele frequency attached by ClinVar (database versions not stated): gnomAD exomes below 0.00001.
gnomAD v4.1: 1 of 1,614,048 alleles (0.000062%); highest among the groups gnomAD compares: Non-Finnish European, 0.000085%; no homozygotes.

Submissions (2):

Ambry Genetics
Classification: Likely benign for Hereditary cancer-predisposing syndrome. Last evaluated: 2026-05-15. Review status: criteria provided, single submitter. Criteria: Ambry Variant Classification Scheme 2023. Collection method: clinical testing. Allele origin: germline.

Labcorp Genetics (formerly Invitae), Labcorp
Classification: Uncertain significance for Renal cell carcinoma. Last evaluated: 2022-09-22. Review status: criteria provided, single submitter. Criteria: Invitae Variant Classification Sherloc (09022015). Collection method: clinical testing. Allele origin: germline.
Comment: In summary, the available evidence is currently insufficient to determine the role of this variant in disease. Therefore, it has been classified as a Variant of Uncertain Significance. Advanced modeling of protein sequence and biophysical properties (such as structural, functional, and spatial information, amino acid conservation, physicochemical variation, residue mobility, and thermodynamic stability) performed at Invitae indicates that this missense variant is not expected to disrupt MET protein function. This variant has not been reported in the literature in individuals affected with MET-related conditions. This variant is not present in population databases (gnomAD no frequency). This sequence change replaces lysine, which is basic and polar, with isoleucine, which is neutral and non-polar, at codon 665 of the MET protein (p.Lys665Ile).